The following is an entry in ClinVar:

NM_182931.3(KMT2E):c.2881_2884del (p.Lys961fs)

Gene: KMT2E (lysine methyltransferase 2E (inactive); plus strand). Cytogenetic location: 7q22.3.
Variant type: Deletion.
Coding change: c.2881_2884del on transcript NM_182931.3 (MANE Select); coding-DNA positions 2881 to 2884, 4 bases deleted (AAGA; older notation c.2881_2884delAAGA).
Protein change: p.Lys961fs; shifts the reading frame from lysine 961.
Molecular consequence: frameshift variant.
Genome position (GRCh38, 1-based): chr7:105,107,199-105,107,202, AAGA deleted; deleting any 4 consecutive bases within chr7:105,107,198-105,107,202 gives the same sequence; the c. name uses the placement nearest the transcript's 3' end. VCF-style (leftmost placement, unchanged base first): chr7-105107197-TAAAG-T. GRCh37 (hg19) VCF-style: chr7-104747644-TAAAG-T.
Other names: c.2881_2884del, p.Lys961fs (NM_001410908.1, NM_018682.4); short protein forms K961fs.
Identifiers: ClinVar variation 2822605 (VCV002822605.3), dbSNP rs2536508193, ClinGen allele CA2739277812.

ClinVar aggregate classification (germline): Pathogenic (1 of 4 stars; one submission).

Submission:

Labcorp Genetics (formerly Invitae), Labcorp
Classification: Pathogenic. Last evaluated: 2022-12-20. Review status: criteria provided, single submitter. Criteria: Invitae Variant Classification Sherloc (09022015). Collection method: clinical testing. Allele origin: germline.
Comment: For these reasons, this variant has been classified as Pathogenic. This variant has not been reported in the literature in individuals affected with KMT2E-related conditions. This variant is not present in population databases (gnomAD no frequency). This sequence change creates a premature translational stop signal (p.Lys961Aspfs*16) in the KMT2E gene. It is expected to result in an absent or disrupted protein product. Loss-of-function variants in KMT2E are known to be pathogenic (PMID: 31079897).

Literature cited by the submitters: PubMed 31079897.